The following is an entry in ClinVar:

NM_017777.4(MKS1):c.301_302dup (p.Ser101fs)

Gene: MKS1 (MKS transition zone complex subunit 1; minus strand). Cytogenetic location: 17q22.
Variant type: Microsatellite.
Coding change: c.301_302dup on transcript NM_017777.4 (MANE Select); coding-DNA positions 301 to 302, 2 bases duplicated (AG; older notation c.301_302dupAG).
Protein change: p.Ser101fs; shifts the reading frame from serine 101.
Molecular consequence: frameshift variant. On other transcripts: 5 prime UTR variant (1).
Genome position (GRCh38, 1-based): chr17:58,216,203-58,216,204, CT duplicated on the plus strand (AG on the coding strand, the reverse complement: MKS1 is on the minus strand); duplicating any 2 consecutive bases within chr17:58,216,203-58,216,206 gives the same sequence; the c. name uses the placement nearest the transcript's 3' end. VCF-style (leftmost placement, unchanged base first): chr17-58216202-A-ACT. GRCh37 (hg19) VCF-style: chr17-56293563-A-ACT.
Other names: c.-213AG[3] (NM_001321268.2); c.301_302dup, p.Ser101fs (NM_001321269.2, NM_001330397.2); c.299_300AG[3], p.Ser101Argfs (NM_001411113.1); short protein forms S101fs.
Identifiers: ClinVar variation 2005996 (VCV002005996.4), dbSNP rs2509455112, ClinGen allele CA2580613164.

ClinVar aggregate classification (germline): Pathogenic (1 of 4 stars; one submission).

Conditions:
Joubert syndrome. Also called: CEREBELLOPARENCHYMAL DISORDER IV; JOUBERT-BOLTSHAUSER SYNDROME; Familial aplasia of the vermis. Identifiers: Orphanet 475, MedGen C5979921, MONDO:0018772.
Meckel-Gruber syndrome. Also called: DYSENCEPHALIA SPLANCHNOCYSTICA; GRUBER SYNDROME; Dysencephalia splachnocystica. Identifiers: Orphanet 564, MedGen C0265215, MONDO:0018921.

Submission:

Labcorp Genetics (formerly Invitae), Labcorp
Classification: Pathogenic for Joubert syndrome; Meckel-Gruber syndrome. Last evaluated: 2022-06-13. Review status: criteria provided, single submitter. Criteria: Invitae Variant Classification Sherloc (09022015). Collection method: clinical testing. Allele origin: germline.
Comment: For these reasons, this variant has been classified as Pathogenic. This variant has not been reported in the literature in individuals affected with MKS1-related conditions. This variant is not present in population databases (gnomAD no frequency). This sequence change creates a premature translational stop signal (p.Ser101Argfs*13) in the MKS1 gene. It is expected to result in an absent or disrupted protein product. Loss-of-function variants in MKS1 are known to be pathogenic (PMID: 19466712, 24886560, 26490104).

Literature cited by the submitters: PubMed 19466712; PubMed 24886560; PubMed 26490104.